The following is an entry in ClinVar:

NM_001283009.2(RTEL1):c.3521C>T (p.Thr1174Ile)

Genes: RTEL1-TNFRSF6B (RTEL1-TNFRSF6B readthrough (NMD candidate); plus strand), RTEL1 (regulator of telomere elongation helicase 1; plus strand). Cytogenetic location: 20q13.33.
Variant type: single nucleotide variant.
Coding change: c.3521C>T on transcript NM_001283009.2 (MANE Select); coding-DNA position 3521, C replaced by T.
Protein change: p.Thr1174Ile; replaces threonine 1174 with isoleucine.
Molecular consequence: missense variant. On other transcripts: non-coding transcript variant (1).
Genome position (GRCh38, 1-based): chr20:63,695,349, C>T. VCF-style: chr20-63695349-C-T. GRCh37 (hg19) VCF-style: chr20-62326702-C-T.
Other names: c.2852C>T, p.Thr951Ile (NM_001283010.1); c.3521C>T, p.Thr1174Ile (NM_016434.4); c.3593C>T, p.Thr1198Ile (NM_032957.5); short protein forms T1174I, T1198I, T951I.
Identifiers: ClinVar variation 1163751 (VCV001163751.10), dbSNP rs201992738, ClinGen allele CA9966104.

ClinVar aggregate classification (germline): Uncertain significance. Review status: criteria provided, multiple submitters, no conflicts (2 of 4 stars). 3 submissions from 3 submitters: Uncertain significance (3). Last evaluated 2025-09-06.

Conditions:
Dyskeratosis congenita, autosomal recessive 5 (DKCB5). Identifiers: MedGen C3554656, MONDO:0014076, OMIM 615190.
Pulmonary fibrosis and/or bone marrow failure, Telomere-related, 3. Also called: PULMONARY FIBROSIS AND/OR BONE MARROW FAILURE SYNDROME, TELOMERE-RELATED, 3. Identifiers: Orphanet 2032, MedGen C4225346, MONDO:0014613, OMIM 616373.
Dyskeratosis congenita. Identifiers: Orphanet 1775, MedGen C0265965, MONDO:0015780.

Allele frequency attached by ClinVar (database versions not stated): ExAC 0.00002; gnomAD exomes 0.00002; gnomAD 0.00003; TOPMed 0.00004.
gnomAD v4.1: 27 of 1,550,518 alleles (0.0017%); highest among the groups gnomAD compares: Admixed American, 0.0057%; no homozygotes.

Submissions (3):

Labcorp Genetics (formerly Invitae), Labcorp
Classification: Uncertain significance for Dyskeratosis congenita, autosomal recessive 5; Pulmonary fibrosis and/or bone marrow failure, Telomere-related, 3. Last evaluated: 2025-09-06. Review status: criteria provided, single submitter. Criteria: Invitae Variant Classification Sherloc (09022015). Collection method: clinical testing. Allele origin: germline.
Comment: This sequence change replaces threonine, which is neutral and polar, with isoleucine, which is neutral and non-polar, at codon 1174 of the RTEL1 protein (p.Thr1174Ile). This variant is present in population databases (rs201992738, gnomAD 0.007%). This variant has not been reported in the literature in individuals affected with RTEL1-related conditions. ClinVar contains an entry for this variant (Variation ID: 1163751). An algorithm developed to predict the effect of missense changes on protein structure and function (PolyPhen-2) suggests that this variant is likely to be tolerated. In summary, the available evidence is currently insufficient to determine the role of this variant in disease. Therefore, it has been classified as a Variant of Uncertain Significance.

Sema4
Classification: Uncertain significance for Dyskeratosis congenita. Last evaluated: 2022-02-16. Review status: criteria provided, single submitter. Criteria: Sema4 Curation Guidelines. Collection method: curation. Allele origin: germline.
Comment: The RTEL1 c.3521C>T (p.T1174I) variant has not been reported in the literature to our knowledge. It is also known as NM_032957.4:c.3593C>T (p.T1198I). This variant was observed in 2/27534 chromosomes in the Latino population according to the Genome Aggregation Database (PMID: 32461654). The variant has been reported in ClinVar (Variation ID: 1163751). Functional studies have not been performed, and in silico predictions of the variant's effect on protein function are inconclusive. The evidence is insufficient to meet ACMG/AMP criteria for classifying the variant as benign or pathogenic. Thus, the clinical significance of this variant is currently uncertain.

Mayo Clinic Laboratories, Mayo Clinic
Classification: Uncertain significance. Last evaluated: 2019-12-27. Review status: criteria provided, single submitter. Criteria: ACMG Guidelines, 2015. Collection method: clinical testing. Allele origin: germline. Observed: 1 variant allele.